The following is an entry in ClinVar:

NM_000350.3(ABCA4):c.3862+1G>A

Genes: ABCA4 (ATP binding cassette subfamily A member 4; minus strand), LOC126805794 (BRD4-independent group 4 enhancer GRCh37_chr1:94502188-94503387; plus strand). Cytogenetic location: 1p22.1.
Variant type: single nucleotide variant.
Coding change: c.3862+1G>A on transcript NM_000350.3 (MANE Select); the canonical splice donor site of the intron after coding-DNA position 3862, G replaced by A.
Molecular consequence: splice donor variant.
Genome position (GRCh38, 1-based): chr1:94,036,739, C>T on the plus strand (G>A on the coding strand, the complement: ABCA4 is on the minus strand). VCF-style: chr1-94036739-C-T. GRCh37 (hg19) VCF-style: chr1-94502295-C-T.
Identifiers: ClinVar variation 99243 (VCV000099243.12), dbSNP rs61751400, ClinGen allele CA227142.

ClinVar aggregate classification (germline): Pathogenic. Review status: criteria provided, multiple submitters, no conflicts (2 of 4 stars). 6 submissions from 6 submitters: Pathogenic (5). 1 of the submissions does not count toward it. Last evaluated 2024-11-22.

Conditions:
ABCA4-related disorder. Also called: ABCA4-related condition; ABCA4-related disorders. Identifiers: MedGen CN239167.
Severe early-childhood-onset retinal dystrophy (STGD1). Also called: MACULAR DYSTROPHY WITH FLECKS, TYPE 1; STGD; Stargardt disease 1; Stargardt macular dystrophy; Juvenile onset macular degeneration. Identifiers: Orphanet 364055, Orphanet 827, MedGen C1855465, MeSH D000080362, MONDO:0009549, OMIM 248200.

Allele frequency attached by ClinVar (database versions not stated): gnomAD exomes below 0.00001.
gnomAD v4.1: 4 of 1,614,020 alleles (0.00025%); highest among the groups gnomAD compares: African/African-American, 0.0013%; no homozygotes.

Submissions (6):

GeneDx
Classification: Pathogenic. Last evaluated: 2024-11-22. Review status: criteria provided, single submitter. Criteria: GeneDx Variant Classification Process June 2021. Collection method: clinical testing. Allele origin: germline. Affected: yes.
Comment: Canonical splice site variant predicted to result in a null allele in a gene for which loss-of-function is a known mechanism of disease; Not observed at significant frequency in large population cohorts (gnomAD); This variant is associated with the following publications: (PMID: 35120629, 36460718, 32307445, 34906470, 31429209, 23755871, 30093795, 32619608, 25525159, 35119454, 38984108, 11527935, 31543898)

Labcorp Genetics (formerly Invitae), Labcorp
Classification: Pathogenic. Last evaluated: 2023-08-17. Review status: criteria provided, single submitter. Criteria: Invitae Variant Classification Sherloc (09022015). Collection method: clinical testing. Allele origin: germline.
Comment: Algorithms developed to predict the effect of sequence changes on RNA splicing suggest that this variant may disrupt the consensus splice site. For these reasons, this variant has been classified as Pathogenic. ClinVar contains an entry for this variant (Variation ID: 99243). This sequence change affects a donor splice site in intron 26 of the ABCA4 gene. It is expected to disrupt RNA splicing. Variants that disrupt the donor or acceptor splice site typically lead to a loss of protein function (PMID: 16199547), and loss-of-function variants in ABCA4 are known to be pathogenic (PMID: 10958761, 24938718, 25312043, 26780318). This variant is not present in population databases (gnomAD no frequency). Disruption of this splice site has been observed in individuals with cone-rod dystrophy and Stargardt disease (PMID: 11527935, 23755871, 30093795). This variant is also known as IVS26+1G>A.

Blueprint Genetics
Classification: Pathogenic for ABCA4-related disorders. Last evaluated: 2022-07-13. Review status: criteria provided, single submitter. Criteria: ACMG Guidelines, 2015. Collection method: clinical testing. Allele origin: germline. Affected: yes. Observed: 1 variant allele.

Ocular Genomics Institute, Massachusetts Eye and Ear
Classification: Pathogenic for Severe early-childhood-onset retinal dystrophy. Last evaluated: 2021-04-08. Review status: criteria provided, single submitter. Criteria: ACMG Guidelines, 2015. Collection method: research. Allele origin: germline. Affected: yes.
Comment: Through a review of available evidence we were able to apply the following criteria: PM2, PVS1, PM3. Based on this evidence we have classified this variant as Pathogenic.

Mendelics
Classification: Pathogenic for Severe early-childhood-onset retinal dystrophy. Last evaluated: 2019-05-28. Review status: criteria provided, single submitter. Criteria: Mendelics Assertion Criteria 2017. Collection method: clinical testing. Allele origin: unknown.

Retina International
No classification provided. Review status: no classification provided. Collection method: not provided. Allele origin: not provided. Not counted in ClinVar's aggregate classification.

Literature cited by the submitters: PubMed 16199547 (cited by Labcorp Genetics (formerly Invitae), Labcorp); PubMed 10958761 (cited by Labcorp Genetics (formerly Invitae), Labcorp and Ocular Genomics Institute, Massachusetts Eye and Ear); PubMed 24938718 (cited by Labcorp Genetics (formerly Invitae), Labcorp and Ocular Genomics Institute, Massachusetts Eye and Ear); PubMed 25312043 (cited by Labcorp Genetics (formerly Invitae), Labcorp and Ocular Genomics Institute, Massachusetts Eye and Ear); PubMed 26780318 (cited by Labcorp Genetics (formerly Invitae), Labcorp and Ocular Genomics Institute, Massachusetts Eye and Ear); PubMed 11527935 (cited by Labcorp Genetics (formerly Invitae), Labcorp and Ocular Genomics Institute, Massachusetts Eye and Ear); PubMed 23755871 (cited by Labcorp Genetics (formerly Invitae), Labcorp and Ocular Genomics Institute, Massachusetts Eye and Ear); PubMed 30093795 (cited by Labcorp Genetics (formerly Invitae), Labcorp and Ocular Genomics Institute, Massachusetts Eye and Ear).